The following is an entry in ClinVar:

NM_005591.4(MRE11):c.1585C>G (p.Leu529Val)

Gene: MRE11 (MRE11 double strand break repair nuclease; minus strand). Cytogenetic location: 11q21.
Variant type: single nucleotide variant.
Coding change: c.1585C>G on transcript NM_005591.4 (MANE Select); coding-DNA position 1585, C replaced by G.
Protein change: p.Leu529Val; replaces leucine 529 with valine.
Molecular consequence: missense variant.
Genome position (GRCh38, 1-based): chr11:94,447,417, G>C on the plus strand (C>G on the coding strand, the complement: MRE11 is on the minus strand). VCF-style: chr11-94447417-G-C. GRCh37 (hg19) VCF-style: chr11-94180583-G-C.
Other names: c.1585C>G, p.Leu529Val (NM_001330347.2, NM_005590.4); short protein forms L529V.
Identifiers: ClinVar variation 1799812 (VCV001799812.2), dbSNP rs2496297527, ClinGen allele CA382368748.

ClinVar aggregate classification (germline): Uncertain significance (1 of 4 stars; one submission).

Conditions:
Hereditary cancer-predisposing syndrome. Also called: Neoplastic Syndromes, Hereditary; Tumor predisposition; Hereditary Cancer Syndrome; Hereditary neoplastic syndrome. Identifiers: Orphanet 140162, MedGen C0027672, MeSH D009386, MONDO:0015356.

Submission:

Ambry Genetics
Classification: Uncertain significance for Hereditary cancer-predisposing syndrome. Last evaluated: 2021-11-14. Review status: criteria provided, single submitter. Criteria: Ambry Variant Classification Scheme 2023. Collection method: clinical testing. Allele origin: germline.
Comment: The p.L529V variant (also known as c.1585C>G), located in coding exon 14 of the MRE11A gene, results from a C to G substitution at nucleotide position 1585. The leucine at codon 529 is replaced by valine, an amino acid with highly similar properties. This amino acid position is conserved. In addition, this alteration is predicted to be tolerated by in silico analysis. Since supporting evidence is limited at this time, the clinical significance of this alteration remains unclear.